The following is an entry in ClinVar:

ClinVar aggregate classification (germline): Uncertain significance. Review status: criteria provided, multiple submitters, no conflicts (2 of 4 stars). 2 submissions from 2 submitters: Uncertain significance (2). Last evaluated 2024-12-15.

Conditions:
Developmental and epileptic encephalopathy 94 (DEE94). Also called: CHD2-Related Neurodevelopmental Disorders; Epileptic encephalopathy, childhood-onset. Identifiers: Orphanet 1942, Orphanet 2382, MedGen C3809278, MONDO:0014150, OMIM 615369.

Allele frequency attached by ClinVar (database versions not stated): TOPMed below 0.00001.

Submissions (2):

Labcorp Genetics (formerly Invitae), Labcorp
Classification: Uncertain significance for Developmental and epileptic encephalopathy 94. Last evaluated: 2024-12-15. Review status: criteria provided, single submitter. Criteria: Invitae Variant Classification Sherloc (09022015). Collection method: clinical testing. Allele origin: germline.
Comment: This sequence change replaces glutamine, which is neutral and polar, with proline, which is neutral and non-polar, at codon 780 of the CHD2 protein (p.Gln780Pro). This variant is not present in population databases (gnomAD no frequency). This variant has not been reported in the literature in individuals affected with CHD2-related conditions. ClinVar contains an entry for this variant (Variation ID: 1308916). Invitae Evidence Modeling of protein sequence and biophysical properties (such as structural, functional, and spatial information, amino acid conservation, physicochemical variation, residue mobility, and thermodynamic stability) indicates that this missense variant is not expected to disrupt CHD2 protein function with a negative predictive value of 95%. In summary, the available evidence is currently insufficient to determine the role of this variant in disease. Therefore, it has been classified as a Variant of Uncertain Significance.

GeneDx
Classification: Uncertain significance. Last evaluated: 2019-10-11. Review status: criteria provided, single submitter. Criteria: GeneDx Variant Classification Process June 2021. Collection method: clinical testing. Allele origin: germline. Affected: yes.
Comment: Not observed in large population cohorts (Lek et al., 2016); In silico analysis, which includes protein predictors and evolutionary conservation, supports a deleterious effect; Has not been previously published as pathogenic or benign to our knowledge

NM_001271.4(CHD2):c.2339A>C (p.Gln780Pro)

Gene: CHD2 (chromodomain helicase DNA binding protein 2; plus strand). Cytogenetic location: 15q26.1.
Variant type: single nucleotide variant.
Coding change: c.2339A>C on transcript NM_001271.4 (MANE Select); coding-DNA position 2339, A replaced by C.
Protein change: p.Gln780Pro; replaces glutamine 780 with proline.
Molecular consequence: missense variant.
Genome position (GRCh38, 1-based): chr15:92,971,914, A>C. VCF-style: chr15-92971914-A-C. GRCh37 (hg19) VCF-style: chr15-93515144-A-C.
Other names: short protein forms Q780P.
Identifiers: ClinVar variation 1308916 (VCV001308916.6), dbSNP rs2053846412, ClinGen allele CA393893067.